The following is an entry in ClinVar:

ClinVar aggregate classification (germline): Uncertain significance. Review status: criteria provided, multiple submitters, no conflicts (2 of 4 stars). 2 submissions from 2 submitters: Uncertain significance (2). Last evaluated 2026-05-12.

Conditions:
Cardiovascular phenotype. Identifiers: MedGen CN230736.

gnomAD v4.1: 8 of 1,613,002 alleles (0.0005%); highest among the groups gnomAD compares: African/African-American, 0.004%; no homozygotes.

Submissions (2):

Ambry Genetics
Classification: Uncertain significance for Cardiovascular phenotype. Last evaluated: 2026-05-12. Review status: criteria provided, single submitter. Criteria: Ambry Variant Classification Scheme 2023. Collection method: clinical testing. Allele origin: germline.
Comment: The c.8092G>A (p.G2698S) alteration is located in exon 23 (coding exon 22) of the TNXB gene. This alteration results from a G to A substitution at nucleotide position 8092, causing the glycine (G) at amino acid position 2698 to be replaced by a serine (S). Based on data from gnomAD, the A allele has an overall frequency of 0.01% (3/31390) total alleles studied. The highest observed frequency was 0.064% (1/1560) of East Asian alleles. Based on insufficient or conflicting evidence, the clinical significance of this alteration remains unclear.

Women's Health and Genetics/Laboratory Corporation of America, LabCorp
Classification: Uncertain significance. Last evaluated: 2025-11-25. Review status: criteria provided, single submitter. Criteria: LabCorp Variant Classification Summary - May 2015. Collection method: clinical testing. Allele origin: germline.
Comment: Variant summary: TNXB c.8092G>A (p.Gly2698Ser) results in a non-conservative amino acid change in the encoded protein sequence. Algorithms developed to predict the effect of missense changes on protein structure and function are either unavailable or do not agree on the potential impact of this missense change. The variant was absent in 245700 control chromosomes. The available data on variant occurrences in the general population are insufficient to allow any conclusion about variant significance. To our knowledge, no occurrence of c.8092G>A in individuals affected with TNXB-related conditions and no experimental evidence demonstrating its impact on protein function have been reported. No submitters have cited clinical-significance assessments for this variant to ClinVar. Based on the evidence outlined above, the variant was classified as uncertain significance.

NM_001365276.2(TNXB):c.8092G>A (p.Gly2698Ser)

Gene: TNXB (tenascin XB; minus strand). Cytogenetic location: 6p21.33.
Variant type: single nucleotide variant.
Coding change: c.8092G>A on transcript NM_001365276.2 (MANE Select); coding-DNA position 8092, G replaced by A.
Protein change: p.Gly2698Ser; replaces glycine 2698 with serine.
Molecular consequence: missense variant.
Genome position (GRCh38, 1-based): chr6:32,056,637, C>T on the plus strand (G>A on the coding strand, the complement: TNXB is on the minus strand). VCF-style: chr6-32056637-C-T. GRCh37 (hg19) VCF-style: chr6-32024414-C-T.
Other names: c.8092G>A (NM_019105.6); c.8833G>A, p.Gly2945Ser (NM_001428335.1); c.8092G>A, p.Gly2698Ser (NM_019105.8); short protein forms G2698S, G2945S.
Identifiers: ClinVar variation 4537214 (VCV004537214.2).